The following is an entry in ClinVar:

ClinVar aggregate classification (germline): Uncertain significance (1 of 4 stars; one submission).

Submission:

GeneDx
Classification: Uncertain significance. Last evaluated: 2025-07-30. Review status: criteria provided, single submitter. Criteria: GeneDx Variant Classification Process June 2021. Collection method: clinical testing. Allele origin: germline. Affected: yes.
Comment: Not observed at significant frequency in large population cohorts (gnomAD); In silico analysis supports that this missense variant has a deleterious effect on protein structure/function; Has not been previously published as pathogenic or benign to our knowledge

NM_015557.3(CHD5):c.3358T>C (p.Ser1120Pro)

Gene: CHD5 (chromodomain helicase DNA binding protein 5; minus strand). Cytogenetic location: 1p36.31.
Variant type: single nucleotide variant.
Coding change: c.3358T>C on transcript NM_015557.3 (MANE Select); coding-DNA position 3358, T replaced by C.
Protein change: p.Ser1120Pro; replaces serine 1120 with proline.
Molecular consequence: missense variant.
Genome position (GRCh38, 1-based): chr1:6,130,233, A>G on the plus strand (T>C on the coding strand, the complement: CHD5 is on the minus strand). VCF-style: chr1-6130233-A-G. GRCh37 (hg19) VCF-style: chr1-6190293-A-G.
Other names: short protein forms S1120P.
Identifiers: ClinVar variation 1806692 (VCV001806692.2), dbSNP rs2525383316, ClinGen allele CA338076665.